The following is an entry in ClinVar:

ClinVar aggregate classification (germline): Likely pathogenic (1 of 4 stars; one submission).

Conditions:
Tumor predisposition syndrome 3 (TPDS3). Also called: Melanoma, cutaneous malignant, susceptibility to, 10; LONG TELOMERE SYNDROME, POT1-RELATED; POT1 Tumor Predisposition; Glioma susceptibility 9. Identifiers: Orphanet 618, MedGen C4014476, MONDO:0014368, OMIM 615848.

Allele frequency attached by ClinVar (database versions not stated): gnomAD exomes 0.00001.
gnomAD v4.1: 6 of 1,594,498 alleles (0.00038%); highest among the groups gnomAD compares: Non-Finnish European, 0.00051%; no homozygotes.

Submission:

Labcorp Genetics (formerly Invitae), Labcorp
Classification: Likely pathogenic for Tumor predisposition syndrome 3. Last evaluated: 2024-04-02. Review status: criteria provided, single submitter. Criteria: Invitae Variant Classification Sherloc (09022015). Collection method: clinical testing. Allele origin: germline.
Comment: This sequence change affects a donor splice site in intron 13 of the POT1 gene. It is expected to disrupt RNA splicing. Variants that disrupt the donor or acceptor splice site typically lead to a loss of protein function (PMID: 16199547), and loss-of-function variants in POT1 are known to be pathogenic (PMID: 32155570). This variant is not present in population databases (gnomAD no frequency). Disruption of this splice site has been observed in individual(s) with clinical features of POT1-related conditions (Invitae). ClinVar contains an entry for this variant (Variation ID: 1473639). Algorithms developed to predict the effect of sequence changes on RNA splicing suggest that this variant may disrupt the consensus splice site. In summary, the currently available evidence indicates that the variant is pathogenic, but additional data are needed to prove that conclusively. Therefore, this variant has been classified as Likely Pathogenic.

Literature cited by the submitters: PubMed 16199547; PubMed 32155570.

NM_015450.3(POT1):c.1163+1G>C

Gene: POT1 (protection of telomeres 1; minus strand). Cytogenetic location: 7q31.33.
Variant type: single nucleotide variant.
Coding change: c.1163+1G>C on transcript NM_015450.3 (MANE Select); the canonical splice donor site of the intron after coding-DNA position 1163, G replaced by C.
Molecular consequence: splice donor variant.
Genome position (GRCh38, 1-based): chr7:124,842,806, C>G on the plus strand (G>C on the coding strand, the complement: POT1 is on the minus strand). VCF-style: chr7-124842806-C-G. GRCh37 (hg19) VCF-style: chr7-124482860-C-G.
Other names: c.770+1G>C (NM_001042594.2).
Identifiers: ClinVar variation 1473639 (VCV001473639.6), dbSNP rs1562981766, ClinGen allele CA369068060.
Genomic context (GRCh38, chr7:124,842,806, plus strand): 5'-TATGTGTACATATACACACAAATAATATGAAAACGTTTGTTTTATTATGGAAAATACTCA[C>G]AGCAAATGACATTTAGGGCAATGAAGTTTAACAGACTGAAATAGTCTTCTGGGCTTATAT-3'